The following is an entry in ClinVar:

NM_014264.5(PLK4):c.1757C>G (p.Thr586Arg)

Gene: PLK4 (polo like kinase 4; plus strand). Cytogenetic location: 4q28.1.
Variant type: single nucleotide variant.
Coding change: c.1757C>G on transcript NM_014264.5 (MANE Select); coding-DNA position 1757, C replaced by G.
Protein change: p.Thr586Arg; replaces threonine 586 with arginine.
Molecular consequence: missense variant.
Genome position (GRCh38, 1-based): chr4:127,890,163, C>G. VCF-style: chr4-127890163-C-G. GRCh37 (hg19) VCF-style: chr4-128811318-C-G.
Other names: c.1661C>G, p.Thr554Arg (NM_001190799.2); c.1634C>G, p.Thr545Arg (NM_001190801.2); short protein forms T545R, T554R, T586R.
Identifiers: ClinVar variation 2112357 (VCV002112357.3), dbSNP rs1735299973, ClinGen allele CA358157277.

ClinVar aggregate classification (germline): Uncertain significance (1 of 4 stars; one submission).

Submission:

Labcorp Genetics (formerly Invitae), Labcorp
Classification: Uncertain significance. Last evaluated: 2022-07-03. Review status: criteria provided, single submitter. Criteria: Invitae Variant Classification Sherloc (09022015). Collection method: clinical testing. Allele origin: germline.
Comment: This sequence change replaces threonine, which is neutral and polar, with arginine, which is basic and polar, at codon 586 of the PLK4 protein (p.Thr586Arg). This variant is not present in population databases (gnomAD no frequency). This variant has not been reported in the literature in individuals affected with PLK4-related conditions. Algorithms developed to predict the effect of missense changes on protein structure and function are either unavailable or do not agree on the potential impact of this missense change (SIFT: "Tolerated"; PolyPhen-2: "Possibly Damaging"; Align-GVGD: "Class C0"). In summary, the available evidence is currently insufficient to determine the role of this variant in disease. Therefore, it has been classified as a Variant of Uncertain Significance.